The following is an entry in ClinVar:

ClinVar aggregate classification (germline): Benign/Likely benign. Review status: criteria provided, multiple submitters, no conflicts (2 of 4 stars). 6 submissions from 6 submitters: Benign (2); Likely benign (3). 1 of the submissions does not count toward it. Last evaluated 2026-01-20.

Conditions:
FANCB-related disorder. Also called: FANCB-related condition.
Fanconi anemia (FA). Also called: Fanconi's anemia. Identifiers: Orphanet 84, MedGen C0015625, MeSH D005199, MONDO:0019391.
Fanconi anemia complementation group B (FANCB). Also called: FANCB-Related Fanconi Anemia; FANCONI PANCYTOPENIA, TYPE 2. Identifiers: Orphanet 84, MedGen C1845292, MONDO:0010351, OMIM 300514.

Allele frequency attached by ClinVar (database versions not stated): gnomAD 0.00014 and 0.00018; gnomAD exomes 0.00019 and 0.00045; 1000 Genomes Project 30x 0.00021; 1000 Genomes Project 0.00026; TOPMed 0.00032; ExAC 0.00042.

Submissions (6):

Labcorp Genetics (formerly Invitae), Labcorp
Classification: Benign for Fanconi anemia. Last evaluated: 2026-01-20. Review status: criteria provided, single submitter. Criteria: Invitae Variant Classification Sherloc (09022015). Collection method: clinical testing. Allele origin: germline.

CeGaT Center for Human Genetics Tuebingen
Classification: Likely benign. Last evaluated: 2025-09-01. Review status: criteria provided, single submitter. Criteria: CeGaT Center For Human Genetics Tuebingen Variant Classification Criteria Version 2. Collection method: clinical testing. Allele origin: germline. Affected: yes. Observed: 1 variant allele.
Comment: FANCB: BP4, BS2

ARUP Laboratories, Molecular Genetics and Genomics, ARUP Laboratories
Classification: Benign for Fanconi anemia complementation group B. Last evaluated: 2025-07-28. Review status: criteria provided, single submitter. Criteria: ARUP Molecular Germline Variant Investigation Process 2024. Collection method: clinical testing. Allele origin: germline.

Blueprint Genetics
Classification: Likely benign. Last evaluated: 2024-10-31. Review status: criteria provided, single submitter. Criteria: ACMG Guidelines, 2015. Collection method: clinical testing. Allele origin: germline.

Sema4
Classification: Likely benign for Fanconi anemia. Last evaluated: 2022-03-10. Review status: criteria provided, single submitter. Criteria: Sema4 Curation Guidelines. Collection method: curation. Allele origin: germline.

PreventionGenetics, part of Exact Sciences
Classification: Likely benign for FANCB-related condition. Last evaluated: 2020-09-02. Review status: no assertion criteria provided. Collection method: clinical testing. Allele origin: germline. Not counted in ClinVar's aggregate classification.
Comment: This variant is classified as likely benign based on ACMG/AMP sequence variant interpretation guidelines (Richards et al. 2015 PMID: 25741868, with internal and published modifications).

NM_001018113.3(FANCB):c.869T>C (p.Met290Thr)

Gene: FANCB (FA complementation group B; minus strand). Cytogenetic location: Xp22.2.
Variant type: single nucleotide variant.
Coding change: c.869T>C on transcript NM_001018113.3 (MANE Select); coding-DNA position 869, T replaced by C.
Protein change: p.Met290Thr; replaces methionine 290 with threonine.
Molecular consequence: missense variant.
Genome position (GRCh38, 1-based): chrX:14,864,642, A>G on the plus strand (T>C on the coding strand, the complement: FANCB is on the minus strand). VCF-style: chrX-14864642-A-G. GRCh37 (hg19) VCF-style: chrX-14882764-A-G.
Other names: c.869T>C, p.Met290Thr (NM_001324162.2, NM_152633.4); c.869T>C (NM_001018113.2); short protein forms M290T.
Identifiers: ClinVar variation 368030 (VCV000368030.27), dbSNP rs754552650, ClinGen allele CA10353162.